The following is an entry in ClinVar:

ClinVar aggregate classification (germline): Pathogenic. Review status: reviewed by expert panel (3 of 4 stars). 2 submissions from 2 submitters: Pathogenic (1). 1 of the submissions does not count toward it. Last evaluated 2016-10-18.

Conditions:
Breast-ovarian cancer, familial, susceptibility to, 2 (BROVCA2). Also called: BRCA2 Hereditary Breast and Ovarian Cancer. Identifiers: Orphanet 145, MedGen C2675520, MONDO:0012933, OMIM 612555. Disease mechanism: loss of function.

Submissions (2):

Evidence-based Network for the Interpretation of Germline Mutant Alleles (ENIGMA)
Classification: Pathogenic for Breast-ovarian cancer, familial, susceptibility to, 2. Last evaluated: 2016-10-18. Review status: reviewed by expert panel. Criteria: ENIGMA BRCA1/2 Classification Criteria (2015). Collection method: curation. Allele origin: germline.
Comment: Variant allele predicted to encode a truncated non-functional protein.

Consortium of Investigators of Modifiers of BRCA1/2 (CIMBA), c/o University of Cambridge
Classification: Pathogenic for Breast-ovarian cancer, familial, susceptibility to, 2. Last evaluated: 2015-10-02. Review status: criteria provided, single submitter. Criteria: CIMBA Mutation Classification guidelines May 2016. Collection method: clinical testing. Allele origin: germline. Not counted in ClinVar's aggregate classification.

NM_000059.4(BRCA2):c.9034dup (p.Ala3012fs)

Gene: BRCA2 (BRCA2 DNA repair associated; plus strand). Cytogenetic location: 13q13.1.
Variant type: Duplication.
Coding change: c.9034dup on transcript NM_000059.4 (MANE Select); coding-DNA position 9034, one base duplicated (G; older notation c.9034dupG).
Protein change: p.Ala3012fs; shifts the reading frame from alanine 3012.
Molecular consequence: frameshift variant.
Genome position (GRCh38, 1-based): chr13:32,379,830, G duplicated. VCF-style (leftmost placement, unchanged base first): chr13-32379829-T-TG. GRCh37 (hg19) VCF-style: chr13-32953966-T-TG.
Other names: 9262insG; short protein forms A3012fs.
Identifiers: ClinVar variation 267132 (VCV000267132.5), dbSNP rs886040814, ClinGen allele CA10589541.